The following is an entry in ClinVar:

NM_020911.2(PLXNA4):c.112C>A (p.Arg38=)

Gene: PLXNA4 (plexin A4; minus strand). Cytogenetic location: 7q32.3.
Variant type: single nucleotide variant.
Coding change: c.112C>A on transcript NM_020911.2 (MANE Select); coding-DNA position 112, C replaced by A.
Protein change: p.Arg38=; no amino-acid change (arginine 38 retained).
Molecular consequence: synonymous variant.
Genome position (GRCh38, 1-based): chr7:132,508,582, G>T on the plus strand (C>A on the coding strand, the complement: PLXNA4 is on the minus strand). VCF-style: chr7-132508582-G-T. GRCh37 (hg19) VCF-style: chr7-132193341-G-T.
Other names: c.112C>A, p.Arg38= (NM_001105543.2, NM_001393897.1, NM_181775.4).
Identifiers: ClinVar variation 4990590 (VCV004990590.1).

ClinVar aggregate classification (germline): Likely benign (1 of 4 stars; one submission).

Conditions:
PLXNA4-related disorder. Also called: PLXNA4-related condition.

gnomAD v4.1: 7 of 1,613,920 alleles (0.00043%); highest among the groups gnomAD compares: African/African-American, 0.0093%; no homozygotes.

Submission:

PreventionGenetics, part of Exact Sciences
Classification: Likely benign for PLXNA4-related condition. Last evaluated: 2024-10-17. Review status: criteria provided, single submitter. Criteria: ACMG Guidelines, 2015. Collection method: clinical testing. Allele origin: germline.
Comment: This variant is classified as likely benign based on ACMG/AMP sequence variant interpretation guidelines (Richards et al. 2015 PMID: 25741868, with internal and published modifications).